The following is an entry in ClinVar:

ClinVar aggregate classification (germline): Pathogenic (1 of 4 stars; one submission).

Conditions:
Pyknodysostosis. Also called: Pycnodysostosis. Identifiers: Orphanet 763, MedGen C0238402, MONDO:0009940, OMIM 265800.

Submission:

Myriad Genetics, Inc.
Classification: Pathogenic for Pyknodysostosis. Last evaluated: 2023-08-06. Review status: criteria provided, single submitter. Criteria: Myriad Autosomal Dominant, Autosomal Recessive and X-Linked Classification Criteria (2023). Collection method: clinical testing. Allele origin: unknown.
Comment: NM_000396.3(CTSK):c.668_674del7ins6(G223Vfs*13) is expected to be pathogenic in the context of pycnodysostosis. This variant is predicted to lead to an abnormal or absent protein product due to the creation of a premature termination codon in CTSK, a gene where loss-of-function variants are known to be pathogenic. Please note: this variant was assessed in the context of healthy population screening.

NM_000396.4(CTSK):c.668_674delinsTGTATA (p.Gly223fs)

Gene: CTSK (cathepsin K; minus strand). Cytogenetic location: 1q21.3.
Variant type: Indel.
Coding change: c.668_674delinsTGTATA on transcript NM_000396.4 (MANE Select); coding-DNA positions 668 to 674, GGTACAG replaced by TGTATA.
Protein change: p.Gly223fs; shifts the reading frame from glycine 223.
Molecular consequence: frameshift variant.
Genome position (GRCh38, 1-based): chr1:150,799,654-150,799,660, CTGTACC replaced by TATACA on the plus strand (GGTACAG replaced by TGTATA on the coding strand, the reverse complement: CTSK is on the minus strand). VCF-style: chr1-150799654-CTGTACC-TATACA. GRCh37 (hg19) VCF-style: chr1-150772130-CTGTACC-TATACA.
Other names: short protein forms G223fs.
Identifiers: ClinVar variation 5011247 (VCV005011247.1).